The following is an entry in ClinVar:

ClinVar aggregate classification (germline): Likely benign. Review status: criteria provided, single submitter (1 of 4 stars). 2 submissions from 2 submitters: Likely benign (1). 1 of the submissions does not count toward it. Last evaluated 2022-07-26.

Conditions:
CFAP410-related disorder. Also called: CFAP410-related condition.

Allele frequency attached by ClinVar (database versions not stated): TOPMed 0.00002; gnomAD exomes 0.00004.
gnomAD v4.1: 59 of 1,548,410 alleles (0.0038%); highest among the groups gnomAD compares: Non-Finnish European, 0.0045%; no homozygotes.

Submissions (2):

Blueprint Genetics
Classification: Likely benign. Last evaluated: 2022-07-26. Review status: criteria provided, single submitter. Criteria: ACMG Guidelines, 2015. Collection method: clinical testing. Allele origin: germline.

PreventionGenetics, part of Exact Sciences
Classification: Likely benign for CFAP410-related condition. Last evaluated: 2023-10-10. Review status: no assertion criteria provided. Collection method: clinical testing. Allele origin: germline. Not counted in ClinVar's aggregate classification.
Comment: This variant is classified as likely benign based on ACMG/AMP sequence variant interpretation guidelines (Richards et al. 2015 PMID: 25741868, with internal and published modifications).

NM_004928.3(CFAP410):c.642+150G>A

Gene: CFAP410 (cilia and flagella associated protein 410; minus strand). Cytogenetic location: 21q22.3.
Variant type: single nucleotide variant.
Coding change: c.642+150G>A on transcript NM_004928.3 (MANE Select); 150 bases into the intron after coding-DNA position 642, G replaced by A.
Molecular consequence: intron variant. On other transcripts: synonymous variant (1).
Genome position (GRCh38, 1-based): chr21:44,330,673, C>T on the plus strand (G>A on the coding strand, the complement: CFAP410 is on the minus strand). VCF-style: chr21-44330673-C-T. GRCh37 (hg19) VCF-style: chr21-45750556-C-T.
Other names: c.789G>A, p.Gly263= (NM_001271441.2); c.639+150G>A (NM_001271440.2); c.516+150G>A (NM_001271442.1).
Identifiers: ClinVar variation 3029064 (VCV003029064.3), dbSNP rs921434014, ClinGen allele CA321782327.